The following is an entry in ClinVar:

ClinVar aggregate classification (germline): Uncertain significance. Review status: criteria provided, multiple submitters, no conflicts (2 of 4 stars). 4 submissions from 3 submitters: Uncertain significance (4). Last evaluated 2023-12-15.

Conditions:
Seckel syndrome 1 (SCKL1). Also called: MICROCEPHALIC PRIMORDIAL DWARFISM I. Identifiers: Orphanet 808, MedGen C4551474, MONDO:0008869, OMIM 210600.
Inborn genetic diseases. Identifiers: MedGen C0950123, MeSH D030342.
Familial cutaneous telangiectasia and oropharyngeal predisposition cancer syndrome. Identifiers: Orphanet 313846, MedGen C3281203, MONDO:0013806, OMIM 614564.

Allele frequency attached by ClinVar (database versions not stated): TOPMed below 0.00001.

Submissions (4):

Ambry Genetics
Classification: Uncertain significance for Inborn genetic diseases. Last evaluated: 2023-12-15. Review status: criteria provided, single submitter. Criteria: Ambry Variant Classification Scheme 2023. Collection method: clinical testing. Allele origin: germline.
Comment: The p.I710M variant (also known as c.2130A>G), located in coding exon 10 of the ATR gene, results from an A to G substitution at nucleotide position 2130. The isoleucine at codon 710 is replaced by methionine, an amino acid with highly similar properties. This amino acid position is conserved. In addition, this alteration is predicted to be tolerated by in silico analysis. Since supporting evidence is limited at this time, the clinical significance of this alteration remains unclear.

Genome-Nilou Lab
Classification: Uncertain significance for Seckel syndrome 1. Last evaluated: 2023-02-08. Review status: criteria provided, single submitter. Criteria: ACMG Guidelines, 2015. Collection method: clinical testing. Allele origin: germline.

Genome-Nilou Lab
Classification: Uncertain significance for Familial cutaneous telangiectasia and oropharyngeal predisposition cancer syndrome. Last evaluated: 2023-02-08. Review status: criteria provided, single submitter. Criteria: ACMG Guidelines, 2015. Collection method: clinical testing. Allele origin: germline.

Labcorp Genetics (formerly Invitae), Labcorp
Classification: Uncertain significance. Last evaluated: 2022-02-10. Review status: criteria provided, single submitter. Criteria: Invitae Variant Classification Sherloc (09022015). Collection method: clinical testing. Allele origin: germline.
Comment: Algorithms developed to predict the effect of missense changes on protein structure and function are either unavailable or do not agree on the potential impact of this missense change (SIFT: "Deleterious"; PolyPhen-2: "Benign"; Align-GVGD: "Class C0"). In summary, the available evidence is currently insufficient to determine the role of this variant in disease. Therefore, it has been classified as a Variant of Uncertain Significance. This variant has not been reported in the literature in individuals affected with ATR-related conditions. This variant is not present in population databases (gnomAD no frequency). This sequence change replaces isoleucine, which is neutral and non-polar, with methionine, which is neutral and non-polar, at codon 710 of the ATR protein (p.Ile710Met).

NM_001184.4(ATR):c.2130A>G (p.Ile710Met)

Gene: ATR (ATR checkpoint kinase; minus strand). Cytogenetic location: 3q23.
Variant type: single nucleotide variant.
Coding change: c.2130A>G on transcript NM_001184.4 (MANE Select); coding-DNA position 2130, A replaced by G.
Protein change: p.Ile710Met; replaces isoleucine 710 with methionine.
Molecular consequence: missense variant.
Genome position (GRCh38, 1-based): chr3:142,556,088, T>C on the plus strand (A>G on the coding strand, the complement: ATR is on the minus strand). VCF-style: chr3-142556088-T-C. GRCh37 (hg19) VCF-style: chr3-142274930-T-C.
Other names: c.1938A>G, p.Ile646Met (NM_001354579.2); short protein forms I710M, I646M.
Identifiers: ClinVar variation 1508999 (VCV001508999.9), dbSNP rs2034661720, ClinGen allele CA354818928.